The following is an entry in ClinVar:

NM_001353108.3(CEP63):c.1933C>G (p.Gln645Glu)

Gene: CEP63 (centrosomal protein 63; plus strand). Cytogenetic location: 3q22.2.
Variant type: single nucleotide variant.
Coding change: c.1933C>G on transcript NM_001353108.3 (MANE Select); coding-DNA position 1933, C replaced by G.
Protein change: p.Gln645Glu; replaces glutamine 645 with glutamic acid.
Molecular consequence: missense variant. On other transcripts: non-coding transcript variant (1), intron variant (17).
Genome position (GRCh38, 1-based): chr3:134,559,409, C>G. VCF-style: chr3-134559409-C-G. GRCh37 (hg19) VCF-style: chr3-134278251-C-G.
Other names: c.1795C>G, p.Gln599Glu (NM_001353109.1); c.1933C>G, p.Gln645Glu (NM_025180.5); c.1467+7397C>G (NM_001353113.1, NM_001353117.2); c.1329+7397C>G (NM_001042384.2, NM_001353124.2, NM_001353123.2); c.1330-1968C>G (NM_001353122.1, NM_001042383.2, NM_001353121.2 and 2 more transcripts); c.1468-1968C>G (NM_001353110.1, NM_001353112.2, NM_001353111.2 and 1 more transcripts); c.1357-1968C>G (NM_001353118.1); c.967-1968C>G (NM_001353126.2); and 1 more; short protein forms Q645E, Q599E.
Identifiers: ClinVar variation 210703 (VCV000210703.11), dbSNP rs200642598, ClinGen allele CA207789.

ClinVar aggregate classification (germline): Uncertain significance. Review status: criteria provided, multiple submitters, no conflicts (2 of 4 stars). 4 submissions from 4 submitters: Uncertain significance (4). Last evaluated 2025-06-11.

Conditions:
Inborn genetic diseases. Identifiers: MedGen C0950123, MeSH D030342.

Allele frequency attached by ClinVar (database versions not stated): TOPMed 0.00004; gnomAD exomes 0.00005 and 0.00008; gnomAD 0.00006 and 0.00007; ExAC 0.00008.
gnomAD v4.1: 82 of 1,613,446 alleles (0.0051%); highest among the groups gnomAD compares: Middle Eastern, 0.033%; no homozygotes.

Submissions (4):

Ambry Genetics
Classification: Uncertain significance for Inborn genetic diseases. Last evaluated: 2025-06-11. Review status: criteria provided, single submitter. Criteria: Ambry Variant Classification Scheme 2023. Collection method: clinical testing. Allele origin: germline.

Labcorp Genetics (formerly Invitae), Labcorp
Classification: Uncertain significance. Last evaluated: 2022-07-25. Review status: criteria provided, single submitter. Criteria: Invitae Variant Classification Sherloc (09022015). Collection method: clinical testing. Allele origin: germline.
Comment: Algorithms developed to predict the effect of missense changes on protein structure and function (SIFT, PolyPhen-2, Align-GVGD) all suggest that this variant is likely to be tolerated. ClinVar contains an entry for this variant (Variation ID: 210703). This variant has not been reported in the literature in individuals affected with CEP63-related conditions. This variant is present in population databases (rs200642598, gnomAD 0.03%). This sequence change replaces glutamine, which is neutral and polar, with glutamic acid, which is acidic and polar, at codon 645 of the CEP63 protein (p.Gln645Glu). In summary, the available evidence is currently insufficient to determine the role of this variant in disease. Therefore, it has been classified as a Variant of Uncertain Significance.

Genetic Services Laboratory, University of Chicago
Classification: Uncertain significance. Last evaluated: 2014-05-02. Review status: criteria provided, single submitter. Criteria: ACMG Guidelines, 2015. Collection method: clinical testing. Allele origin: germline.

Breakthrough Genomics
Classification: Uncertain significance. Review status: criteria provided, single submitter. Criteria: ACMG Guidelines, 2015. Collection method: not provided. Allele origin: germline. Inheritance: Autosomal recessive inheritance. Affected: yes.